The following is an entry in ClinVar:

ClinVar aggregate classification (germline): Uncertain significance (1 of 4 stars; one submission).

Submission:

Ambry Genetics
Classification: Uncertain significance. Last evaluated: 2025-06-14. Review status: criteria provided, single submitter. Criteria: Ambry Variant Classification Scheme 2023. Collection method: clinical testing. Allele origin: germline.
Comment: The p.E76Q variant (also known as c.226G>C), located in coding exon 2 of the GFI1 gene, results from a G to C substitution at nucleotide position 226. The glutamic acid at codon 76 is replaced by glutamine, an amino acid with highly similar properties. This amino acid position is conserved. In addition, this alteration is predicted to be tolerated by in silico analysis. Based on the available evidence, the clinical significance of this variant remains unclear.

NM_005263.5(GFI1):c.226G>C (p.Glu76Gln)

Gene: GFI1 (growth factor independent 1 transcriptional repressor; minus strand). Cytogenetic location: 1p22.1.
Variant type: single nucleotide variant.
Coding change: c.226G>C on transcript NM_005263.5 (MANE Select); coding-DNA position 226, G replaced by C.
Protein change: p.Glu76Gln; replaces glutamic acid 76 with glutamine.
Molecular consequence: missense variant.
Genome position (GRCh38, 1-based): chr1:92,482,936, C>G on the plus strand (G>C on the coding strand, the complement: GFI1 is on the minus strand). VCF-style: chr1-92482936-C-G. GRCh37 (hg19) VCF-style: chr1-92948493-C-G.
Other names: c.226G>C, p.Glu76Gln (NM_001127215.3, NM_001127216.3); short protein forms E76Q.
Identifiers: ClinVar variation 4029456 (VCV004029456.1).